The following is an entry in ClinVar:

NM_015100.4(POGZ):c.3631C>T (p.Arg1211Ter)

Gene: POGZ (pogo transposable element derived with ZNF domain; minus strand). Cytogenetic location: 1q21.3.
Variant type: single nucleotide variant.
Coding change: c.3631C>T on transcript NM_015100.4 (MANE Select); coding-DNA position 3631, C replaced by T.
Protein change: p.Arg1211Ter; replaces arginine 1211 with a stop codon.
Molecular consequence: nonsense.
Genome position (GRCh38, 1-based): chr1:151,405,404, G>A on the plus strand (C>T on the coding strand, the complement: POGZ is on the minus strand). VCF-style: chr1-151405404-G-A. GRCh37 (hg19) VCF-style: chr1-151377880-G-A.
Other names: c.3604C>T, p.Arg1202Ter (NM_001194937.2); c.3445C>T, p.Arg1149Ter (NM_001194938.2); c.3652C>T, p.Arg1218Ter (NM_001410860.1); c.3346C>T, p.Arg1116Ter (NM_145796.4); c.3472C>T, p.Arg1158Ter (NM_207171.2); short protein forms R1116*, R1149*, R1158*, R1202*, R1211*, R1218*.
Identifiers: ClinVar variation 3383459 (VCV003383459.3).

ClinVar aggregate classification (germline): Pathogenic/Likely pathogenic. Review status: criteria provided, multiple submitters, no conflicts (2 of 4 stars). 3 submissions from 3 submitters: Pathogenic (1); Likely pathogenic (2). Last evaluated 2026-09-10.

Conditions:
POGZ-related disorder. Also called: POGZ-related condition.
Intellectual disability-microcephaly-strabismus-behavioral abnormalities syndrome. Also called: White-Sutton Syndrome. Identifiers: Orphanet 468678, MedGen C4225351, MONDO:0014606, OMIM 616364.

Submissions (3):

Department of Human Genetics, Hannover Medical School
Classification: Likely pathogenic for Intellectual disability-microcephaly-strabismus-behavioral abnormalities syndrome. Last evaluated: 2026-09-10. Review status: criteria provided, single submitter. Criteria: ACMG Guidelines, 2015. Collection method: clinical testing. Allele origin: germline. Affected: yes.
Comment: PVS1_Strong, PS2_Supporting, PM2_Supporting, PM6_Supporting

GeneDx
Classification: Pathogenic. Last evaluated: 2024-05-29. Review status: criteria provided, single submitter. Criteria: GeneDx Variant Classification Process June 2021. Collection method: clinical testing. Allele origin: germline. Affected: yes.
Comment: Nonsense variant predicted to result in protein truncation, as the last 200 amino acids are lost, and other loss-of-function variants have been reported downstream in HGMD; Not observed at significant frequency in large population cohorts (gnomAD); This variant is associated with the following publications: (PMID: 33377604, 33726816, 37016333, 32359026)

Blueprint Genetics
Classification: Likely pathogenic for POGZ-related disorders. Last evaluated: 2020-02-21. Review status: criteria provided, single submitter. Criteria: ACMG Guidelines, 2015. Collection method: clinical testing. Allele origin: germline. Affected: yes. Observed: 2 variant alleles.